The following is an entry in ClinVar:

NC_000003.12:g.133743825_133749853del

Genes: TF (transferrin; plus strand), SLCO2A1 (solute carrier organic anion transporter family member 2A1; minus strand). Cytogenetic location: 3q22.1.
Variant type: Deletion.
Molecular consequence: splice acceptor variant, splice donor variant, initiator codon variant (on NM_001354703.2).
Genome position: GRCh38: chr3:133,743,825-133,749,853. GRCh37 (hg19): chr3:133,462,669-133,468,697.
Other names: c.-89-4587_84+1269del (NM_001354703.2).
Identifiers: ClinVar variation 4819194 (VCV004819194.1).

ClinVar aggregate classification (germline): Likely pathogenic (1 of 4 stars; one submission).

Conditions:
Hypertrophic osteoarthropathy, primary, autosomal recessive, 2 (PHOAR2E). Also called: PACHYDERMOPERIOSTOSIS, AUTOSOMAL RECESSIVE; PDP, AUTOSOMAL RECESSIVE; HYPERTROPHIC OSTEOARTHROPATHY, PRIMARY, AUTOSOMAL RECESSIVE, 2/ENTEROPATHY SYNDROME; PHOAR2-enteropathy syndrome. Identifiers: Orphanet 2796, MedGen C3280800, MONDO:0013756, OMIM 614441.

Submission:

Human Genome Sequencing Center Clinical Lab, Baylor College of Medicine
Classification: Likely pathogenic for PHOAR2-enteropathy syndrome. Last evaluated: 2025-08-19. Review status: criteria provided, single submitter. Criteria: ACMG Guidelines, 2015. Collection method: clinical testing. Allele origin: biparental. Affected: yes.
Comment: The copy number deletion encompasses the exon 1 of total 14 exons of the SLCO2A1 gene (NM_005630.3), encoding solute carrier organic anion transporter family member 2A1, and is predicted to abolish the initiation codon for protein translation and lead to nonfunctional or severely impaired protein product. This deletion is predicted to result in loss-of-function of the gene. Biallelic loss of function variants in SLCO2A1 have been reported in individuals affected with hypertrophic osteoarthropathy and enteropathy (PMID: 22197487, 26539716). This deletion has not been reported in literature in individuals affected with SLCO2A1-related conditions. This deletion is found to be absent in the general population database (gnomAD v4.1.0). Therefore, this deletion is classified as likely pathogenic.

Literature cited by the submitters: PubMed 22197487; PubMed 26539716.